The following is an entry in ClinVar:

ClinVar aggregate classification (germline): Benign. Review status: criteria provided, multiple submitters, no conflicts (2 of 4 stars). 4 submissions from 4 submitters: Benign (3). 1 of the submissions does not count toward it. Last evaluated 2019-12-31.

Conditions:
ZNF407-related disorder. Also called: ZNF407-related condition.

Allele frequency attached by ClinVar (database versions not stated): 1000 Genomes Project 0.00399; gnomAD 0.00005 and 0.00060; TOPMed 0.00012; 1000 Genomes Project 30x 0.00328; ExAC 0.00259; ESP Exome Variant Server 0.00016.
gnomAD v4.1: 1,655 of 1,611,208 alleles (0.1%); highest among the groups gnomAD compares: South Asian, 1.7%; 28 homozygotes.

Submissions (4):

Labcorp Genetics (formerly Invitae), Labcorp
Classification: Benign. Last evaluated: 2019-12-31. Review status: criteria provided, single submitter. Criteria: Invitae Variant Classification Sherloc (09022015). Collection method: clinical testing. Allele origin: germline.

Genetic Services Laboratory, University of Chicago
Classification: Benign. Last evaluated: 2015-11-25. Review status: criteria provided, single submitter. Criteria: ACMG Guidelines, 2015. Collection method: clinical testing. Allele origin: germline. Affected: no.

Breakthrough Genomics
Classification: Benign. Review status: criteria provided, single submitter. Criteria: ACMG Guidelines, 2015. Collection method: not provided. Allele origin: germline. Inheritance: Autosomal recessive inheritance. Affected: yes.

PreventionGenetics, part of Exact Sciences
Classification: Benign for ZNF407-related condition. Last evaluated: 2023-03-13. Review status: no assertion criteria provided. Collection method: clinical testing. Allele origin: germline. Not counted in ClinVar's aggregate classification.
Comment: This variant is classified as benign based on ACMG/AMP sequence variant interpretation guidelines (Richards et al. 2015 PMID: 25741868, with internal and published modifications).

NM_017757.3(ZNF407):c.6042C>T (p.Pro2014=)

Gene: ZNF407 (zinc finger protein 407; plus strand). Cytogenetic location: 18q22.3.
Variant type: single nucleotide variant.
Coding change: c.6042C>T on transcript NM_017757.3 (MANE Select); coding-DNA position 6042, C replaced by T.
Protein change: p.Pro2014=; no amino-acid change (proline 2014 retained).
Molecular consequence: synonymous variant.
Genome position (GRCh38, 1-based): chr18:75,063,763, C>T. VCF-style: chr18-75063763-C-T. GRCh37 (hg19) VCF-style: chr18-72775719-C-T.
Other names: c.6042C>T, p.Pro2014= (NM_001384475.1).
Identifiers: ClinVar variation 212677 (VCV000212677.13), dbSNP rs369887612, ClinGen allele CA205113.